The following is an entry in ClinVar:

NM_006311.4(NCOR1):c.5387+7C>T

Gene: NCOR1 (nuclear receptor corepressor 1; minus strand). Cytogenetic location: 17p12.
Variant type: single nucleotide variant.
Coding change: c.5387+7C>T on transcript NM_006311.4 (MANE Select); 7 bases into the intron after coding-DNA position 5387, C replaced by T.
Molecular consequence: intron variant.
Genome position (GRCh38, 1-based): chr17:16,062,098, G>A on the plus strand (C>T on the coding strand, the complement: NCOR1 is on the minus strand). VCF-style: chr17-16062098-G-A. GRCh37 (hg19) VCF-style: chr17-15965412-G-A.
Other names: c.5435+7C>T (NM_001439115.1, NM_001190440.2); c.5609+7C>T (NM_001439111.1); c.5390+7C>T (NM_001439116.1); c.5438+7C>T (NM_001439114.1); c.5462+7C>T (NM_001439113.1); c.5465+7C>T (NM_001439112.1).
Identifiers: ClinVar variation 3352993 (VCV003352993.1).

ClinVar aggregate classification (germline): Likely benign (0 of 4 stars; one submission).

Conditions:
NCOR1-related disorder. Also called: NCOR1-related condition.

gnomAD v4.1: 41 of 1,609,708 alleles (0.0025%); highest among the groups gnomAD compares: African/African-American, 0.05%; no homozygotes.

Submission:

PreventionGenetics, part of Exact Sciences
Classification: Likely benign for NCOR1-related condition. Last evaluated: 2019-04-11. Review status: no assertion criteria provided. Collection method: clinical testing. Allele origin: germline.
Comment: This variant is classified as likely benign based on ACMG/AMP sequence variant interpretation guidelines (Richards et al. 2015 PMID: 25741868, with internal and published modifications).